The following is an entry in ClinVar:

NM_007294.4(BRCA1):c.4490C>T (p.Ser1497Phe)

Gene: BRCA1 (BRCA1 DNA repair associated; minus strand). Cytogenetic location: 17q21.31.
Variant type: single nucleotide variant.
Coding change: c.4490C>T on transcript NM_007294.4 (MANE Select); coding-DNA position 4490, C replaced by T.
Protein change: p.Ser1497Phe; replaces serine 1497 with phenylalanine.
Molecular consequence: missense variant. On other transcripts: intron variant (3).
Genome position (GRCh38, 1-based): chr17:43,074,516, G>A on the plus strand (C>T on the coding strand, the complement: BRCA1 is on the minus strand). VCF-style: chr17-43074516-G-A. GRCh37 (hg19) VCF-style: chr17-41226533-G-A.
Other names: c.4277C>T, p.Ser1426Phe (NM_001407571.1, NM_001407894.1, NM_001407895.1 and 12 more transcripts); c.4556C>T, p.Ser1519Phe (NM_001407581.1, NM_001407582.1); c.4553C>T, p.Ser1518Phe (NM_001407583.1, NM_001407585.1, NM_001407587.1 and 1 more transcripts); c.4550C>T, p.Ser1517Phe (NM_001407590.1, NM_001407591.1); c.4490C>T, p.Ser1497Phe (NM_001407593.1, NM_001407594.1, NM_001407596.1 and 8 more transcripts); c.4487C>T, p.Ser1496Phe (NM_001407610.1, NM_001407611.1, NM_001407612.1 and 17 more transcripts); c.4484C>T, p.Ser1495Phe (NM_001407627.1, NM_001407628.1, NM_001407629.1 and 14 more transcripts); c.4481C>T, p.Ser1494Phe (NM_001407644.1, NM_001407645.1); and 71 more; short protein forms S1200F, S1328F, S1369F, S1384F, S1409F, S1427F, S1453F, S1471F.
Identifiers: ClinVar variation 4693455 (VCV004693455.1).

ClinVar aggregate classification (germline): Uncertain significance (1 of 4 stars; one submission).

Conditions:
Hereditary breast ovarian cancer syndrome. Also called: Hereditary breast and ovarian cancer syndrome (HBOC); Breast and ovarian cancer; Hereditary breast and ovarian cancer; Hereditary breast and ovarian cancer syndrome; BRCA1- and BRCA2-Associated Hereditary Breast and Ovarian Cancer; Hereditary breast and/or ovarian cancer syndrome. Identifiers: Orphanet 145, MedGen C0677776, MeSH D061325, MONDO:0003582. Disease mechanism: loss of function.

Submission:

Labcorp Genetics (formerly Invitae), Labcorp
Classification: Uncertain significance for Hereditary breast ovarian cancer syndrome. Last evaluated: 2025-12-08. Review status: criteria provided, single submitter. Criteria: Invitae Variant Classification Sherloc (09022015). Collection method: clinical testing. Allele origin: germline.
Comment: This sequence change replaces serine, which is neutral and polar, with phenylalanine, which is neutral and non-polar, at codon 1497 of the BRCA1 protein (p.Ser1497Phe). This variant is not present in population databases (gnomAD no frequency). This variant has not been reported in the literature in individuals affected with BRCA1-related conditions. Invitae Evidence Modeling of protein sequence and biophysical properties (such as structural, functional, and spatial information, amino acid conservation, physicochemical variation, residue mobility, and thermodynamic stability) indicates that this missense variant is expected to disrupt BRCA1 protein function with a positive predictive value of 95%. In summary, the available evidence is currently insufficient to determine the role of this variant in disease. Therefore, it has been classified as a Variant of Uncertain Significance.